The following is an entry in ClinVar:

ClinVar aggregate classification (germline): Uncertain significance (1 of 4 stars; one submission).

Conditions:
Hereditary spastic paraplegia 30. Identifiers: Orphanet 101010, MedGen C5235139, MONDO:0012476.
Neuropathy, hereditary sensory, type 2C. Also called: Hereditary sensory and autonomic neuropathy type IIC; KIF1A-Related HSAN2 (HSAN2C). Identifiers: Orphanet 970, MedGen C3280168, MONDO:0013634, OMIM 614213.
Intellectual disability, autosomal dominant 9 (NESCAVS). Also called: NESCAV SYNDROME; KIF1A-Related Neurodevelopmental Disorder. Identifiers: Orphanet 662367, MedGen C5393830, MONDO:0013656, OMIM 614255.

Submission:

Labcorp Genetics (formerly Invitae), Labcorp
Classification: Uncertain significance for Hereditary spastic paraplegia 30; Neuropathy, hereditary sensory, type 2C; Intellectual disability, autosomal dominant 9. Last evaluated: 2021-04-15. Review status: criteria provided, single submitter. Criteria: Invitae Variant Classification Sherloc (09022015). Collection method: clinical testing. Allele origin: germline.
Comment: In summary, the available evidence is currently insufficient to determine the role of this variant in disease. Therefore, it has been classified as a Variant of Uncertain Significance. Experimental studies and prediction algorithms are not available or were not evaluated, and the functional significance of this variant is currently unknown. This variant has been observed in individual(s) with clinical features of autosomal dominan KIF1A-related conditions (Invitae). This variant results in a copy number gain of the genomic region encompassing exon(s) 8-9 of the KIF1A gene. While the exact position of this variant cannot be determined from the data, sub-genic copy number gains are generally in tandem (PMID: 25640679). This variant is predicted to be in-frame, and likely preserves the integrity of the reading frame.

Literature cited by the submitters: PubMed 25640679.

NC_000002.11:g.(?_241721987)_(241722546_?)dup

Gene: KIF1A (kinesin family member 1A; minus strand). Cytogenetic location: 2q37.3.
Variant type: Duplication.
Identifiers: ClinVar variation 1411136 (VCV001411136.8).